The following is an entry in ClinVar:

NM_021224.6(ZNF462):c.6381C>G (p.His2127Gln)

Gene: ZNF462 (zinc finger protein 462; plus strand). Cytogenetic location: 9q31.2.
Variant type: single nucleotide variant.
Coding change: c.6381C>G on transcript NM_021224.6 (MANE Select); coding-DNA position 6381, C replaced by G.
Protein change: p.His2127Gln; replaces histidine 2127 with glutamine.
Molecular consequence: missense variant.
Genome position (GRCh38, 1-based): chr9:106,939,061, C>G. VCF-style: chr9-106939061-C-G. GRCh37 (hg19) VCF-style: chr9-109701342-C-G.
Other names: c.3786C>G, p.His1262Gln (NM_001347997.2); c.6381C>G (NM_021224.4); short protein forms H1262Q, H2127Q.
Identifiers: ClinVar variation 2659395 (VCV002659395.25), dbSNP rs2538929972, ClinGen allele CA374427203.

ClinVar aggregate classification (germline): Uncertain significance. Review status: criteria provided, multiple submitters, no conflicts (2 of 4 stars). 2 submissions from 2 submitters: Uncertain significance (2). Last evaluated 2025-03-03.

Conditions:
Inborn genetic diseases. Identifiers: MedGen C0950123, MeSH D030342.

gnomAD v4.1: 1 of 1,612,848 alleles (0.000062%); no homozygotes.

Submissions (2):

Ambry Genetics
Classification: Uncertain significance for Inborn genetic diseases. Last evaluated: 2025-03-03. Review status: criteria provided, single submitter. Criteria: Ambry Variant Classification Scheme 2023. Collection method: clinical testing. Allele origin: germline.

CeGaT Center for Human Genetics Tuebingen
Classification: Uncertain significance. Last evaluated: 2022-12-01. Review status: criteria provided, single submitter. Criteria: CeGaT Center For Human Genetics Tuebingen Variant Classification Criteria Version 2. Collection method: clinical testing. Allele origin: germline. Affected: yes. Observed: 1 variant allele.
Comment: ZNF462: PM2, BP4